The following is an entry in ClinVar:

NM_001378120.1(MBD5):c.4920C>T (p.Asp1640=)

Gene: MBD5 (methyl-CpG binding domain protein 5; plus strand). Cytogenetic location: 2q23.1.
Variant type: single nucleotide variant.
Coding change: c.4920C>T on transcript NM_001378120.1 (MANE Select); coding-DNA position 4920, C replaced by T.
Protein change: p.Asp1640=; no amino-acid change (aspartic acid 1640 retained).
Molecular consequence: synonymous variant.
Genome position (GRCh38, 1-based): chr2:148,490,552, C>T. VCF-style: chr2-148490552-C-T. GRCh37 (hg19) VCF-style: chr2-149248121-C-T.
Other names: c.4221C>T, p.Asp1407= (NM_018328.5).
Identifiers: ClinVar variation 331347 (VCV000331347.10), dbSNP rs768363712, ClinGen allele CA1900482.

ClinVar aggregate classification (germline): Likely benign. Review status: criteria provided, multiple submitters, no conflicts (2 of 4 stars). 2 submissions from 2 submitters: Likely benign (2). Last evaluated 2025-12-19.

Conditions:
Intellectual developmental disorder, autosomal dominant 1. Also called: Intellectual disability, autosomal dominant 1; MBD5 Haploinsufficiency. Identifiers: Orphanet 228402, MedGen C1969562, MONDO:0007974, OMIM 156200.

Allele frequency attached by ClinVar (database versions not stated): gnomAD exomes 0.00004 and 0.00003; ExAC 0.00002; TOPMed 0.00002.
gnomAD v4.1: 56 of 1,614,042 alleles (0.0035%); highest among the groups gnomAD compares: Middle Eastern, 0.016%; no homozygotes.

Submissions (2):

Labcorp Genetics (formerly Invitae), Labcorp
Classification: Likely benign for Intellectual developmental disorder, autosomal dominant 1. Last evaluated: 2025-12-19. Review status: criteria provided, single submitter. Criteria: Invitae Variant Classification Sherloc (09022015). Collection method: clinical testing. Allele origin: germline.

GeneDx
Classification: Likely benign. Last evaluated: 2018-01-17. Review status: criteria provided, single submitter. Criteria: GeneDx Variant Classification (06012015). Collection method: clinical testing. Allele origin: germline. Affected: yes.
Comment: This variant is considered likely benign or benign based on one or more of the following criteria: it is a conservative change, it occurs at a poorly conserved position in the protein, it is predicted to be benign by multiple in silico algorithms, and/or has population frequency not consistent with disease.